The following is an entry in ClinVar:

ClinVar aggregate classification (germline): Uncertain significance (1 of 4 stars; one submission).

Conditions:
Hereditary cancer-predisposing syndrome. Also called: Neoplastic Syndromes, Hereditary; Tumor predisposition; Hereditary neoplastic syndrome; Hereditary Cancer Syndrome. Identifiers: Orphanet 140162, MedGen C0027672, MeSH D009386, MONDO:0015356.

gnomAD v4.1: 3 of 1,614,244 alleles (0.00019%); highest among the groups gnomAD compares: Non-Finnish European, 0.00025%; no homozygotes.

Submission:

Ambry Genetics
Classification: Uncertain significance for Hereditary cancer-predisposing syndrome. Last evaluated: 2024-05-01. Review status: criteria provided, single submitter. Criteria: Ambry Variant Classification Scheme 2023. Collection method: clinical testing. Allele origin: germline.
Comment: The p.W156R variant (also known as c.466T>C), located in coding exon 3 of the XRCC2 gene, results from a T to C substitution at nucleotide position 466. The tryptophan at codon 156 is replaced by arginine, an amino acid with dissimilar properties. This amino acid position is conserved. In addition, the in silico prediction for this alteration is inconclusive. Based on the available evidence, the clinical significance of this variant remains unclear.

NM_005431.2(XRCC2):c.466T>C (p.Trp156Arg)

Gene: XRCC2 (X-ray repair cross complementing 2; minus strand). Cytogenetic location: 7q36.1.
Variant type: single nucleotide variant.
Coding change: c.466T>C on transcript NM_005431.2 (MANE Select); coding-DNA position 466, T replaced by C.
Protein change: p.Trp156Arg; replaces tryptophan 156 with arginine.
Molecular consequence: missense variant.
Genome position (GRCh38, 1-based): chr7:152,649,019, A>G on the plus strand (T>C on the coding strand, the complement: XRCC2 is on the minus strand). VCF-style: chr7-152649019-A-G. GRCh37 (hg19) VCF-style: chr7-152346104-A-G.
Other names: short protein forms W156R.
Identifiers: ClinVar variation 3333539 (VCV003333539.1).